The following is an entry in ClinVar:

NM_000455.5(STK11):c.1156C>T (p.Leu386Phe)

Gene: STK11 (serine/threonine kinase 11; plus strand). Cytogenetic location: 19p13.3.
Variant type: single nucleotide variant.
Coding change: c.1156C>T on transcript NM_000455.5 (MANE Select); coding-DNA position 1156, C replaced by T.
Protein change: p.Leu386Phe; replaces leucine 386 with phenylalanine.
Molecular consequence: missense variant.
Genome position (GRCh38, 1-based): chr19:1,226,501, C>T. VCF-style: chr19-1226501-C-T. GRCh37 (hg19) VCF-style: chr19-1226500-C-T.
Other names: c.1156C>T (NM_000455.4); short protein forms L386F.
Identifiers: ClinVar variation 1055133 (VCV001055133.11), dbSNP rs2145435992, ClinGen allele CA402953414.

ClinVar aggregate classification (germline): Conflicting classifications of pathogenicity. Review status: criteria provided, conflicting classifications (1 of 4 stars). 2 submissions from 2 submitters: Uncertain significance (1); Likely benign (1). Last evaluated 2026-09-11.

Conditions:
Peutz-Jeghers syndrome (PJS). Also called: POLYPOSIS, HAMARTOMATOUS INTESTINAL; POLYPS-AND-SPOTS SYNDROME; Peutz-Jeghers polyposis; Periorificial lentiginosis syndrome. Identifiers: Orphanet 2869, MedGen C0031269, MeSH D010580, MONDO:0008280, OMIM 175200.
Hereditary cancer-predisposing syndrome. Also called: Tumor predisposition; Hereditary Cancer Syndrome; Hereditary neoplastic syndrome; Neoplastic Syndromes, Hereditary. Identifiers: Orphanet 140162, MedGen C0027672, MeSH D009386, MONDO:0015356.

Submissions (2):

Ambry Genetics
Classification: Likely benign for Hereditary cancer-predisposing syndrome. Last evaluated: 2026-09-11. Review status: criteria provided, single submitter. Criteria: Ambry Variant Classification Scheme 2023. Collection method: clinical testing. Allele origin: germline.

Labcorp Genetics (formerly Invitae), Labcorp
Classification: Uncertain significance for Peutz-Jeghers syndrome. Last evaluated: 2023-09-27. Review status: criteria provided, single submitter. Criteria: Invitae Variant Classification Sherloc (09022015). Collection method: clinical testing. Allele origin: germline.
Comment: This sequence change replaces leucine, which is neutral and non-polar, with phenylalanine, which is neutral and non-polar, at codon 386 of the STK11 protein (p.Leu386Phe). This variant is not present in population databases (gnomAD no frequency). This variant has not been reported in the literature in individuals affected with STK11-related conditions. ClinVar contains an entry for this variant (Variation ID: 1055133). Advanced modeling of protein sequence and biophysical properties (such as structural, functional, and spatial information, amino acid conservation, physicochemical variation, residue mobility, and thermodynamic stability) performed at Invitae indicates that this missense variant is not expected to disrupt STK11 protein function. In summary, the available evidence is currently insufficient to determine the role of this variant in disease. Therefore, it has been classified as a Variant of Uncertain Significance.